The following is an entry in ClinVar:

ClinVar aggregate classification (germline): Uncertain significance. Review status: criteria provided, multiple submitters, no conflicts (2 of 4 stars). 2 submissions from 2 submitters: Uncertain significance (2). Last evaluated 2025-09-26.

Allele frequency attached by ClinVar (database versions not stated): gnomAD exomes 0.00007 and 0.00012; ExAC 0.00011; TOPMed 0.00012; gnomAD 0.00013 and 0.00014; ESP Exome Variant Server 0.00015.
gnomAD v4.1: 190 of 1,614,042 alleles (0.012%); highest among the groups gnomAD compares: African/African-American, 0.015%; no homozygotes.

Submissions (2):

Mayo Clinic Laboratories, Mayo Clinic
Classification: Uncertain significance. Last evaluated: 2025-09-26. Review status: criteria provided, single submitter. Criteria: ACMG Guidelines, 2015. Collection method: clinical testing. Allele origin: germline. Observed: 3 variant alleles.

Labcorp Genetics (formerly Invitae), Labcorp
Classification: Uncertain significance. Last evaluated: 2022-07-23. Review status: criteria provided, single submitter. Criteria: Invitae Variant Classification Sherloc (09022015). Collection method: clinical testing. Allele origin: germline.
Comment: This sequence change replaces methionine, which is neutral and non-polar, with threonine, which is neutral and polar, at codon 415 of the AAAS protein (p.Met415Thr). This variant is present in population databases (rs200871966, gnomAD 0.02%). This variant has not been reported in the literature in individuals affected with AAAS-related conditions. ClinVar contains an entry for this variant (Variation ID: 309728). Algorithms developed to predict the effect of missense changes on protein structure and function are either unavailable or do not agree on the potential impact of this missense change (SIFT: "Deleterious"; PolyPhen-2: "Benign"; Align-GVGD: "Class C0"). In summary, the available evidence is currently insufficient to determine the role of this variant in disease. Therefore, it has been classified as a Variant of Uncertain Significance.

NM_015665.6(AAAS):c.1244T>C (p.Met415Thr)

Gene: AAAS (aladin WD repeat nucleoporin; minus strand). Cytogenetic location: 12q13.13.
Variant type: single nucleotide variant.
Coding change: c.1244T>C on transcript NM_015665.6 (MANE Select); coding-DNA position 1244, T replaced by C.
Protein change: p.Met415Thr; replaces methionine 415 with threonine.
Molecular consequence: missense variant.
Genome position (GRCh38, 1-based): chr12:53,308,287, A>G on the plus strand (T>C on the coding strand, the complement: AAAS is on the minus strand). VCF-style: chr12-53308287-A-G. GRCh37 (hg19) VCF-style: chr12-53702071-A-G.
Other names: p.Met415Thr; c.1145T>C, p.Met382Thr (NM_001173466.2); short protein forms M415T, M382T.
Identifiers: ClinVar variation 309728 (VCV000309728.9), dbSNP rs200871966, ClinGen allele CA6598925.